The following is an entry in ClinVar:

ClinVar aggregate classification (germline): Conflicting classifications of pathogenicity. Review status: criteria provided, conflicting classifications (1 of 4 stars). 4 submissions from 4 submitters: Uncertain significance (3); Likely benign (1). Last evaluated 2025-10-27.

Conditions:
Hereditary cancer-predisposing syndrome. Also called: Neoplastic Syndromes, Hereditary; Hereditary neoplastic syndrome; Hereditary Cancer Syndrome; Tumor predisposition. Identifiers: Orphanet 140162, MedGen C0027672, MeSH D009386, MONDO:0015356.
Tuberous sclerosis 1 (TSC1). Identifiers: Orphanet 805, MedGen C1854465, MONDO:0008612, OMIM 191100.
Tuberous sclerosis syndrome (TSC). Also called: Tuberous Sclerosis Complex; Tuberous sclerosis. Identifiers: Orphanet 805, MedGen C0041341, MONDO:0001734.

Allele frequency attached by ClinVar (database versions not stated): gnomAD exomes below 0.00001; ExAC 0.00001.

Submissions (4):

Labcorp Genetics (formerly Invitae), Labcorp
Classification: Likely benign for Tuberous sclerosis 1. Last evaluated: 2025-10-27. Review status: criteria provided, single submitter. Criteria: Invitae Variant Classification Sherloc (09022015). Collection method: clinical testing. Allele origin: germline.

Quest Diagnostics Nichols Institute San Juan Capistrano
Classification: Uncertain significance. Last evaluated: 2025-07-12. Review status: criteria provided, single submitter. Criteria: Quest Diagnostics criteria. Collection method: clinical testing. Allele origin: unknown.

Ambry Genetics
Classification: Uncertain significance for Hereditary cancer-predisposing syndrome. Last evaluated: 2023-11-11. Review status: criteria provided, single submitter. Criteria: Ambry Variant Classification Scheme 2023. Collection method: clinical testing. Allele origin: germline.
Comment: The p.L72F variant (also known as c.214C>T), located in coding exon 3 of the TSC1 gene, results from a C to T substitution at nucleotide position 214. The leucine at codon 72 is replaced by phenylalanine, an amino acid with highly similar properties. This amino acid position is conserved. In addition, this alteration is predicted to be deleterious by in silico analysis. Since supporting evidence is limited at this time, the clinical significance of this alteration remains unclear.

All of Us Research Program, National Institutes of Health
Classification: Uncertain significance for Tuberous sclerosis syndrome. Last evaluated: 2023-03-04. Review status: criteria provided, single submitter. Criteria: ACMG Guidelines, 2015. Collection method: clinical testing. Allele origin: germline. Inheritance: Autosomal dominant inheritance. Observed: 1 variant allele, 1 heterozygote.
Comment: This study involves interpretation of variants in research participants for the purpose of population health screening. Participant phenotype was not available at the time of variant classification. Additional details can be found in publication PMID: 35346344, PMCID: PMC8962531

NM_000368.5(TSC1):c.214C>T (p.Leu72Phe)

Gene: TSC1 (TSC complex subunit 1; minus strand). Cytogenetic location: 9q34.13.
Variant type: single nucleotide variant.
Coding change: c.214C>T on transcript NM_000368.5 (MANE Select); coding-DNA position 214, C replaced by T.
Protein change: p.Leu72Phe; replaces leucine 72 with phenylalanine.
Molecular consequence: missense variant. On other transcripts: 5 prime UTR variant (1), intron variant (1).
Genome position (GRCh38, 1-based): chr9:132,925,736, G>A on the plus strand (C>T on the coding strand, the complement: TSC1 is on the minus strand). VCF-style: chr9-132925736-G-A. GRCh37 (hg19) VCF-style: chr9-135801123-G-A.
Other names: c.214C>T (NM_000368.4); c.214C>T, p.Leu72Phe (NM_001162426.2); c.-150C>T (NM_001362177.2); c.210+1465C>T (NM_001162427.2); short protein forms L72F.
Identifiers: ClinVar variation 1403176 (VCV001403176.11), dbSNP rs759183842, ClinGen allele CA031578.